The following is an entry in ClinVar:

NM_001009931.3(HRNR):c.5145C>T (p.Arg1715=)

Genes: CCDST (cervical cancer associated DHX9 suppressive transcript; plus strand), HRNR (hornerin; minus strand). Cytogenetic location: 1q21.3.
Variant type: single nucleotide variant.
Coding change: c.5145C>T on transcript NM_001009931.3 (MANE Select); coding-DNA position 5145, C replaced by T.
Protein change: p.Arg1715=; no amino-acid change (arginine 1715 retained).
Molecular consequence: synonymous variant.
Genome position (GRCh38, 1-based): chr1:152,216,484, G>A on the plus strand (C>T on the coding strand, the complement: HRNR is on the minus strand). VCF-style: chr1-152216484-G-A. GRCh37 (hg19) VCF-style: chr1-152188960-G-A.
Identifiers: ClinVar variation 3388144 (VCV003388144.14).

ClinVar aggregate classification (germline): Likely benign (1 of 4 stars; one submission).

Submission:

CeGaT Center for Human Genetics Tuebingen
Classification: Likely benign. Last evaluated: 2024-10-01. Review status: criteria provided, single submitter. Criteria: CeGaT Center For Human Genetics Tuebingen Variant Classification Criteria Version 2. Collection method: clinical testing. Allele origin: germline. Affected: yes. Observed: 1 variant allele.
Comment: HRNR: BP4, BP7